The following is an entry in ClinVar:

ClinVar aggregate classification (germline): Benign (1 of 4 stars; one submission).

Allele frequency attached by ClinVar (database versions not stated): gnomAD exomes 0.53167 and 0.53962; ExAC 0.54652; 1000 Genomes Project 0.53435; gnomAD 0.53721 and 0.53959; 1000 Genomes Project 30x 0.53592; TOPMed 0.53909; ESP Exome Variant Server 0.54675.

Submission:

Laboratory for Molecular Medicine, Mass General Brigham Personalized Medicine
Classification: Benign. Last evaluated: 2016-03-28. Review status: criteria provided, single submitter. Criteria: LMM Criteria. Collection method: clinical testing. Allele origin: germline.
Comment: Variant identified in a genome or exome case(s) and assessed due to predicted null impact of the variant or pathogenic assertions in the literature or databases. Disclaimer: This variant has not undergone full assessment. The following are preliminary notes: MAF

NC_000006.12:g.33315989T>C

Genes: TAPBP (TAP binding protein; minus strand), ZBTB22 (zinc finger and BTB domain containing 22; minus strand). Cytogenetic location: 6p21.32.
Variant type: single nucleotide variant.
Molecular consequence: missense variant (on NM_005453.5).
Genome position: GRCh38 VCF-style: chr6-33315989-T-C. GRCh37 (hg19) VCF-style: chr6-33283766-T-C.
Other names: c.928A>G, p.Thr310Ala (NM_001145338.2, NM_005453.5); short protein forms T310A.
Identifiers: ClinVar variation 403519 (VCV000403519.5), dbSNP rs3130100, ClinGen allele CA3756207.